The following is an entry in ClinVar:

ClinVar aggregate classification (germline): Uncertain significance (1 of 4 stars; one submission).

Conditions:
Oculodentodigital dysplasia, autosomal recessive. Also called: OCULODENTOOSSEOUS DYSPLASIA, AUTOSOMAL RECESSIVE; ODDD, AUTOSOMAL RECESSIVE; ODOD, AUTOSOMAL RECESSIVE. Identifiers: Orphanet 2710, MedGen C2749477, MONDO:0009768, OMIM 257850.

Submission:

Labcorp Genetics (formerly Invitae), Labcorp
Classification: Uncertain significance for Oculodentodigital dysplasia, autosomal recessive. Last evaluated: 2025-05-26. Review status: criteria provided, single submitter. Criteria: Invitae Variant Classification Sherloc (09022015). Collection method: clinical testing. Allele origin: germline.
Comment: This sequence change replaces glutamine, which is neutral and polar, with lysine, which is basic and polar, at codon 333 of the GJA1 protein (p.Gln333Lys). This variant is not present in population databases (gnomAD no frequency). This variant has not been reported in the literature in individuals affected with GJA1-related conditions. Invitae Evidence Modeling of protein sequence and biophysical properties (such as structural, functional, and spatial information, amino acid conservation, physicochemical variation, residue mobility, and thermodynamic stability) has been performed for this missense variant. However, the output from this modeling did not meet the statistical confidence thresholds required to predict the impact of this variant on GJA1 protein function. In summary, the available evidence is currently insufficient to determine the role of this variant in disease. Therefore, it has been classified as a Variant of Uncertain Significance.

NM_000165.5(GJA1):c.997C>A (p.Gln333Lys)

Gene: GJA1 (gap junction protein alpha 1; plus strand). Cytogenetic location: 6q22.31.
Variant type: single nucleotide variant.
Coding change: c.997C>A on transcript NM_000165.5 (MANE Select); coding-DNA position 997, C replaced by A.
Protein change: p.Gln333Lys; replaces glutamine 333 with lysine.
Molecular consequence: missense variant.
Genome position (GRCh38, 1-based): chr6:121,447,844, C>A. VCF-style: chr6-121447844-C-A. GRCh37 (hg19) VCF-style: chr6-121768990-C-A.
Other names: short protein forms Q333K.
Identifiers: ClinVar variation 4778031 (VCV004778031.1).